The following is an entry in ClinVar:

ClinVar aggregate classification (germline): Uncertain significance (1 of 4 stars; one submission).

Allele frequency attached by ClinVar (database versions not stated): gnomAD exomes below 0.00001.
gnomAD v4.1: 2 of 1,614,154 alleles (0.00012%); highest among the groups gnomAD compares: Non-Finnish European, 0.00017%; no homozygotes.

Submission:

GeneDx
Classification: Uncertain significance. Last evaluated: 2026-04-09. Review status: criteria provided, single submitter. Criteria: GeneDx Variant Classification Process June 2021. Collection method: clinical testing. Allele origin: germline.
Comment: Not observed at significant frequency in large population cohorts (gnomAD); In silico analysis supports that this missense variant has a deleterious effect on protein structure/function; Has not been previously published as pathogenic or benign to our knowledge

NM_000748.3(CHRNB2):c.536A>G (p.Asp179Gly)

Gene: CHRNB2 (cholinergic receptor nicotinic beta 2 subunit; plus strand). Cytogenetic location: 1q21.3.
Variant type: single nucleotide variant.
Coding change: c.536A>G on transcript NM_000748.3 (MANE Select); coding-DNA position 536, A replaced by G.
Protein change: p.Asp179Gly; replaces aspartic acid 179 with glycine.
Molecular consequence: missense variant.
Genome position (GRCh38, 1-based): chr1:154,571,359, A>G. VCF-style: chr1-154571359-A-G. GRCh37 (hg19) VCF-style: chr1-154543835-A-G.
Other names: short protein forms D179G.
Identifiers: ClinVar variation 2502564 (VCV002502564.2), dbSNP rs2526368388, ClinGen allele CA342630257.